The following is an entry in ClinVar:

NM_001300791.2(KIF3A):c.511-3dup

Gene: KIF3A (kinesin family member 3A; minus strand). Cytogenetic location: 5q31.1.
Variant type: Duplication.
Coding change: c.511-3dup on transcript NM_001300791.2 (MANE Select); 3 bases into the intron before coding-DNA position 511, one base duplicated (T; older notation c.511-3dupT).
Molecular consequence: intron variant.
Genome position (GRCh38, 1-based): chr5:132,720,717, A duplicated on the plus strand (T on the coding strand, the reverse complement: KIF3A is on the minus strand); the first of 9 consecutive A bases (chr5:132,720,717-132,720,725); duplicating any one gives the same sequence. VCF-style (leftmost placement, unchanged base first): chr5-132720716-T-TA. GRCh37 (hg19) VCF-style: chr5-132056408-T-TA.
Other names: c.511-3dup (NM_007054.7, NM_001300792.2).
Identifiers: ClinVar variation 3048247 (VCV003048247.2), dbSNP rs755989018, ClinGen allele CA3406397.
Genomic context (GRCh38, chr5:132,720,716, plus strand): 5'-TTTACCACATAAGCTGATAAATCTTTGATATAAACTCCCACATCAGGTCTTTCTTTAACC[T>TA]AAAAAAAAATTAAGACTTTATACTATATCAATAACTCTTCCACAATTATTTATTGAGTAT-3'

ClinVar aggregate classification (germline): Likely benign (0 of 4 stars; one submission).

Conditions:
KIF3A-related disorder. Also called: KIF3A-related condition.

Submission:

PreventionGenetics, part of Exact Sciences
Classification: Likely benign for KIF3A-related condition. Last evaluated: 2020-11-23. Review status: no assertion criteria provided. Collection method: clinical testing. Allele origin: germline.
Comment: This variant is classified as likely benign based on ACMG/AMP sequence variant interpretation guidelines (Richards et al. 2015 PMID: 25741868, with internal and published modifications).